The following is an entry in ClinVar:

NM_000465.4(BARD1):c.2324_2325del (p.Leu775fs)

Gene: BARD1 (BRCA1 associated RING domain 1; minus strand). Cytogenetic location: 2q35.
Variant type: Deletion.
Coding change: c.2324_2325del on transcript NM_000465.4 (MANE Select); coding-DNA positions 2324 to 2325, 2 bases deleted (TT; older notation c.2324_2325delTT).
Protein change: p.Leu775fs; shifts the reading frame from leucine 775.
Molecular consequence: frameshift variant. On other transcripts: non-coding transcript variant (3).
Genome position (GRCh38, 1-based): chr2:214,728,685-214,728,686, AA deleted on the plus strand (TT on the coding strand, the reverse complement: BARD1 is on the minus strand). VCF-style (leftmost placement, unchanged base first): chr2-214728684-CAA-C. GRCh37 (hg19) VCF-style: chr2-215593408-CAA-C.
Other names: c.2324_2325del (NM_000465.3, NM_000465.2); c.2267_2268del, p.Leu756fs (NM_001282543.2); c.971_972del, p.Leu324fs (NM_001282545.2); c.914_915del, p.Leu305fs (NM_001282548.2); c.785_786del, p.Leu262fs (NM_001282549.2); short protein forms L262fs, L305fs, L324fs, L775fs, L756fs.
Identifiers: ClinVar variation 141836 (VCV000141836.28), dbSNP rs587782046, ClinGen allele CA333230.

ClinVar aggregate classification (germline): Uncertain significance. Review status: criteria provided, multiple submitters, no conflicts (2 of 4 stars). 8 submissions from 8 submitters: Uncertain significance (7). 1 of the submissions does not count toward it. Last evaluated 2026-01-26.

Conditions:
Hereditary cancer-predisposing syndrome. Also called: Neoplastic Syndromes, Hereditary; Tumor predisposition; Hereditary Cancer Syndrome; Hereditary neoplastic syndrome. Identifiers: Orphanet 140162, MedGen C0027672, MeSH D009386, MONDO:0015356.
Familial cancer of breast. Also called: BREAST CANCER, FAMILIAL; Hereditary breast cancer; hereditary breast carcinoma. Identifiers: Orphanet 227535, MedGen C0346153, MONDO:0016419, OMIM 114480. Disease mechanism: loss of function.

Allele frequency attached by ClinVar (database versions not stated): gnomAD exomes below 0.00001; TOPMed below 0.00001; gnomAD 0.00001.

Submissions (8):

Labcorp Genetics (formerly Invitae), Labcorp
Classification: Uncertain significance for Familial cancer of breast. Last evaluated: 2026-01-26. Review status: criteria provided, single submitter. Criteria: Invitae Variant Classification Sherloc (09022015). Collection method: clinical testing. Allele origin: germline.
Comment: This sequence change is expected to alter the c-terminus of the BARD1 protein (p.Leu775Argfs*19). While this is not anticipated to result in nonsense mediated decay, it is expected to disrupt the last 3 amino acid(s) of the BARD1 protein and extend the protein by 15 additional amino acid residues. This variant is not present in population databases (gnomAD no frequency). This variant has not been reported in the literature in individuals affected with BARD1-related conditions. ClinVar contains an entry for this variant (Variation ID: 141836). Experimental studies and prediction algorithms are not available or were not evaluated, and the functional significance of this variant is currently unknown. RNA analysis performed to evaluate the impact of this frameshift on mRNA splicing indicates it does not significantly alter splicing (internal data). This variant disrupts the C-terminal BRCT domain of the BARD1 protein. The BRCT domains of BARD1 are required for the chromosome stability maintenance and homology-directed repair activity of the BARD1 protein (PMID: 17848578, 17550235, 26738429). While functional studies have not been performed to directly test the effect of this variant on BARD1 protein function, this suggests that disruption of this region of the protein is causative of disease. In summary, the available evidence is currently insufficient to determine the role of this variant in disease. Therefore, it has been classified as a Variant of Uncertain Significance.

Ambry Genetics
Classification: Uncertain significance for Hereditary cancer-predisposing syndrome. Last evaluated: 2024-12-30. Review status: criteria provided, single submitter. Criteria: Ambry Variant Classification Scheme 2023. Collection method: clinical testing. Allele origin: germline.
Comment: The c.2324_2325delTT variant, located in coding exon 11 of the BARD1 gene, results from a deletion of two nucleotides at nucleotide positions 2324 to 2325. This alteration changes the last three residues of the BARD1 protein and results in the elongation of the protein by 15 amino acids before introducing an alternate stop codon (p.L775Rfs*19). This alteration occurs at the 3' terminus of theBARD1 gene, is not expected to trigger nonsense-mediated mRNAdecay and results in the elongation of the protein by 15 amino acids. This frameshift impacts the last 3amino acids of the native protein. The exact functional effect of the altered amino acids is unknown. Since supporting evidence is limited at this time, the clinical significance of this alteration remains unclear.

Color Diagnostics, LLC DBA Color Health
Classification: Uncertain significance for Hereditary cancer-predisposing syndrome. Last evaluated: 2024-11-14. Review status: criteria provided, single submitter. Criteria: ACMG Guidelines, 2015. Collection method: clinical testing. Allele origin: germline.
Comment: This variant deletes 2 nucleotides in exon 11 of the BARD1 gene, creating a frameshift in the last exon and addition of 18 new amino acids before introducing a stop codon. This results in a protein product that is 15 amino acids longer than the normal protein product. To our knowledge, this variant has not been reported in individuals affected with BARD1-related disorders in the literature. This variant has not been identified in the general population by the Genome Aggregation Database (gnomAD). Loss of BARD1 function is a known mechanism of disease. The available evidence is insufficient to determine the role of this variant in disease conclusively. Therefore, this variant is classified as a Variant of Uncertain Significance.

Baylor Genetics
Classification: Uncertain significance for Familial cancer of breast. Last evaluated: 2023-07-04. Review status: criteria provided, single submitter. Criteria: ACMG Guidelines, 2015. Collection method: clinical testing. Allele origin: unknown.

GeneDx
Classification: Uncertain significance. Last evaluated: 2022-07-19. Review status: criteria provided, single submitter. Criteria: GeneDx Variant Classification Process June 2021. Collection method: clinical testing. Allele origin: germline. Affected: yes.
Comment: Frameshift variant predicted to result in protein extension as the last 3 amino acids are replaced by 18 different amino acids; Not observed in large population cohorts (gnomAD); Has not been previously published as pathogenic or benign to our knowledge

PreventionGenetics, part of Exact Sciences
Classification: Uncertain significance. Last evaluated: 2017-12-12. Review status: criteria provided, single submitter. Criteria: ACMG Guidelines, 2015. Collection method: clinical testing. Allele origin: germline.

Women's Health and Genetics/Laboratory Corporation of America, LabCorp
Classification: Uncertain significance. Last evaluated: 2017-10-12. Review status: criteria provided, single submitter. Criteria: LabCorp Variant Classification Summary - May 2015. Collection method: clinical testing. Allele origin: germline.
Comment: Variant summary: The BARD1 c.2324_2325delTT (p.Leu775ArgfsX3+) variant results in a frameshift and a 15 amino acid extension of the protein. One in silico tool predicts a benign outcome for this variant. This variant is absent in 245804 control chromosomes in gnomAD. In addition, multiple clinical diagnostic laboratories/reputable databases classified this variant as uncertain significance. The variant of interest has not, to our knowledge, been reported in affected individuals via publications nor evaluated for functional impact by in vivo/vitro studies. Taken together, this variant is classified as a VUS until additional evidence becomes available.

Counsyl
Classification: Uncertain significance for Familial cancer of breast. Last evaluated: 2017-09-05. Review status: no assertion criteria provided. Collection method: clinical testing. Allele origin: unknown. Not counted in ClinVar's aggregate classification.

Literature cited by the submitters: PubMed 17848578 (cited by Labcorp Genetics (formerly Invitae), Labcorp); PubMed 17550235 (cited by Labcorp Genetics (formerly Invitae), Labcorp); PubMed 26738429 (cited by Labcorp Genetics (formerly Invitae), Labcorp).